The following is an entry in ClinVar:

NM_001278064.2(GRM1):c.1735G>A (p.Glu579Lys)

Gene: GRM1 (glutamate metabotropic receptor 1; plus strand). Cytogenetic location: 6q24.3.
Variant type: single nucleotide variant.
Coding change: c.1735G>A on transcript NM_001278064.2 (MANE Select); coding-DNA position 1735, G replaced by A.
Protein change: p.Glu579Lys; replaces glutamic acid 579 with lysine.
Molecular consequence: missense variant.
Genome position (GRCh38, 1-based): chr6:146,398,774, G>A. VCF-style: chr6-146398774-G-A. GRCh37 (hg19) VCF-style: chr6-146719910-G-A.
Other names: c.1735G>A, p.Glu579Lys (NM_001278065.2, NM_001278066.1, NM_001278067.1); short protein forms E579K.
Identifiers: ClinVar variation 4884948 (VCV004884948.2).
Genomic context (GRCh38, chr6:146,398,774, plus strand): 5'-TGTTATTCCTAGCAGAAACCTTGGATTCATGCTCAAATGATTTTTCTCATCACAGGCTGT[G>A]AGCCCATTCCTGTGCGCTATCTTGAGTGGAGCAACATCGAATCCATTATAGCCATCGCCT-3'
Protein context (NP_001264993.1, residues 569-589): WWPNADLTGC[Glu579Lys]PIPVRYLEWS

ClinVar aggregate classification (germline): Uncertain significance (1 of 4 stars; one submission).

gnomAD v4.1: 1 of 1,608,970 alleles (0.000062%); highest among the groups gnomAD compares: South Asian, 0.0011%; no homozygotes.

Submission:

Dasa
Classification: Uncertain significance. Last evaluated: 2025-09-05. Review status: criteria provided, single submitter. Criteria: DASA Assertion Criteria. Collection method: clinical testing. Allele origin: germline.
Comment: NM_001278064.2(GRM1):c.1735G>A (p.Glu579Lys) is a missense variant that results in the substitution of glutamic acid with lysine. This variant is rare in population databases. The currently available literature and clinical evidence are not sufficient to establish a definitive association between this variant and the reported condition. Therefore, this variant is classified as a variant of uncertain significance.